The following is an entry in ClinVar:

NM_016277.5(RAB23):c.611A>G (p.Gln204Arg)

Gene: RAB23 (RAB23, member RAS oncogene family; minus strand). Cytogenetic location: 6p12.1.
Variant type: single nucleotide variant.
Coding change: c.611A>G on transcript NM_016277.5 (MANE Select); coding-DNA position 611, A replaced by G.
Protein change: p.Gln204Arg; replaces glutamine 204 with arginine.
Molecular consequence: missense variant. On other transcripts: non-coding transcript variant (1).
Genome position (GRCh38, 1-based): chr6:57,190,564, T>C on the plus strand (A>G on the coding strand, the complement: RAB23 is on the minus strand). VCF-style: chr6-57190564-T-C. GRCh37 (hg19) VCF-style: chr6-57055362-T-C.
Other names: c.611A>G, p.Gln204Arg (NM_001278666.2, NM_001278667.2, NM_001278668.2 and 1 more transcripts); c.611A>G (NM_183227.2); short protein forms Q204R.
Identifiers: ClinVar variation 2205539 (VCV002205539.5), dbSNP rs369307301, ClinGen allele CA3873745.

ClinVar aggregate classification (germline): Uncertain significance. Review status: criteria provided, multiple submitters, no conflicts (2 of 4 stars). 2 submissions from 2 submitters: Uncertain significance (2). Last evaluated 2025-09-03.

Conditions:
RAB23-related disorder. Also called: RAB23-related condition.
Inborn genetic diseases. Identifiers: MedGen C0950123, MeSH D030342.

Allele frequency attached by ClinVar (database versions not stated): gnomAD 0.00002; gnomAD exomes 0.00003; TOPMed 0.00006; ESP Exome Variant Server 0.00015; ExAC 0.00002.
gnomAD v4.1: 48 of 1,613,906 alleles (0.003%); highest among the groups gnomAD compares: Admixed American, 0.005%; no homozygotes.

Submissions (2):

PreventionGenetics, part of Exact Sciences
Classification: Uncertain significance for RAB23-related condition. Last evaluated: 2025-09-03. Review status: criteria provided, single submitter. Criteria: ACMG Guidelines, 2015. Collection method: clinical testing. Allele origin: germline.
Comment: The RAB23 c.611A>G variant is predicted to result in the amino acid substitution p.Gln204Arg. To our knowledge, this variant has not been reported in the literature. This variant is reported in 0.0058% of alleles in individuals of Latino descent in gnomAD. At this time, the clinical significance of this variant is uncertain due to the absence of conclusive functional and genetic evidence.

Ambry Genetics
Classification: Uncertain significance for Inborn genetic diseases. Last evaluated: 2025-01-17. Review status: criteria provided, single submitter. Criteria: Ambry Variant Classification Scheme 2023. Collection method: clinical testing. Allele origin: germline.